The following is an entry in ClinVar:

NM_004278.4(PIGL):c.438C>A (p.Phe146Leu)

Gene: PIGL (phosphatidylinositol glycan anchor biosynthesis class L; plus strand). Cytogenetic location: 17p11.2.
Variant type: single nucleotide variant.
Coding change: c.438C>A on transcript NM_004278.4 (MANE Select); coding-DNA position 438, C replaced by A.
Protein change: p.Phe146Leu; replaces phenylalanine 146 with leucine.
Molecular consequence: missense variant.
Genome position (GRCh38, 1-based): chr17:16,313,558, C>A. VCF-style: chr17-16313558-C-A. GRCh37 (hg19) VCF-style: chr17-16216872-C-A.
Other names: p.(Phe146Leu); short protein forms F146L.
Identifiers: ClinVar variation 1341513 (VCV001341513.5), dbSNP rs773591135, ClinGen allele CA8409910.

ClinVar aggregate classification (germline): Likely pathogenic. Review status: criteria provided, single submitter (1 of 4 stars). 2 submissions from 2 submitters: Likely pathogenic (1). 1 of the submissions does not count toward it. Last evaluated 2025-02-04.

Conditions:
CHIME syndrome (CHIME). Also called: COLOBOMA, CONGENITAL HEART DISEASE, ICHTHYOSIFORM DERMATOSIS, IMPAIRED INTELLECTUAL DEVELOPMENT, AND EAR ANOMALIES SYNDROME; GLYCOSYLPHOSPHATIDYLINOSITOL BIOSYNTHESIS DEFECT 5. Identifiers: Orphanet 3474, MedGen C1848392, MONDO:0010221, OMIM 280000.
Hyperphosphatasia with impaired intellectual development syndrome 1. Also called: GLYCOSYLPHOSPHATIDYLINOSITOL BIOSYNTHESIS DEFECT 2; Hyperphosphatasia with intellectual disability syndrome 1; MABRY SYNDROME. Identifiers: Orphanet 247262, MedGen C4551502, MONDO:0009398, OMIM 239300.
PIGL-related disorder. Also called: PIGL-related condition.

gnomAD v4.1: 9 of 1,613,356 alleles (0.00056%); highest among the groups gnomAD compares: Middle Eastern, 0.016%; no homozygotes.

Submissions (2):

GeneDx
Classification: Likely pathogenic. Last evaluated: 2025-02-04. Review status: criteria provided, single submitter. Criteria: GeneDx Variant Classification Process June 2021. Collection method: clinical testing. Allele origin: germline.
Comment: In silico analysis supports that this missense variant has a deleterious effect on protein structure/function; Not observed at significant frequency in large population cohorts (gnomAD); In silico analysis is inconclusive as to whether the variant alters gene splicing. In the absence of RNA/functional studies, the actual effect of this sequence change is unknown.; This variant is associated with the following publications: (PMID: 35378319)

Corniche Hospital, Abu Dhabi, Abu Dhabi Health Services Co - SEHA
Classification: Likely pathogenic for CHIME syndrome; Hyperphosphatasia with impaired intellectual development syndrome 1. Last evaluated: 2021-09-29. Review status: no assertion criteria provided. Collection method: clinical testing. Allele origin: inherited. Inheritance: Autosomal recessive inheritance. Affected: yes. Observed: 3 homozygotes. Not counted in ClinVar's aggregate classification.
Comment: Three siblings with homozygous c.438C>A, p.(Phe146Leu) variants in PIGL were affected with multiple congenital anomalies which presented prenatally. Anomalies included cleft palate, left-sided congenital diaphragmatic hernia (CDH), vermian hypoplasia, dilated renal pelvis, and 2/3 had polyhydramnios, ambiguous genitalia/micropenis and dysmorphic facial features. All three died within hours of preterm birth, likely due to CDH.